The following is an entry in ClinVar:

NM_001374353.1(GLI2):c.2702C>T (p.Ala901Val)

Gene: GLI2 (GLI family zinc finger 2; plus strand). Cytogenetic location: 2q14.2.
Variant type: single nucleotide variant.
Coding change: c.2702C>T on transcript NM_001374353.1 (MANE Select); coding-DNA position 2702, C replaced by T.
Protein change: p.Ala901Val; replaces alanine 901 with valine.
Molecular consequence: missense variant.
Genome position (GRCh38, 1-based): chr2:120,988,667, C>T. VCF-style: chr2-120988667-C-T. GRCh37 (hg19) VCF-style: chr2-121746243-C-T.
Other names: c.2753C>T, p.Ala918Val (NM_001371271.1, NM_005270.5); c.2327C>T, p.Ala776Val (NM_001374354.1); short protein forms A918V, A776V, A901V.
Identifiers: ClinVar variation 2296695 (VCV002296695.5), dbSNP rs1442572039, ClinGen allele CA348168958.

ClinVar aggregate classification (germline): Uncertain significance. Review status: criteria provided, multiple submitters, no conflicts (2 of 4 stars). 2 submissions from 2 submitters: Uncertain significance (2). Last evaluated 2022-12-13.

Conditions:
Holoprosencephaly 9 (HPE9). Also called: PITUITARY ANOMALIES WITH HOLOPROSENCEPHALY-LIKE FEATURES; HOLOPROSENCEPHALY WITH MICROPHTHALMIA AND FIRST BRANCHIAL ARCH ANOMALIES. Identifiers: Orphanet 2162, MedGen C1835819, MONDO:0012563, OMIM 610829.
Postaxial polydactyly-anterior pituitary anomalies-facial dysmorphism syndrome. Also called: Culler-Jones syndrome. Identifiers: Orphanet 420584, MedGen C4014479, MONDO:0014369, OMIM 615849.
Inborn genetic diseases. Identifiers: MedGen C0950123, MeSH D030342.

Allele frequency attached by ClinVar (database versions not stated): gnomAD exomes below 0.00001.

Submissions (2):

Labcorp Genetics (formerly Invitae), Labcorp
Classification: Uncertain significance for Postaxial polydactyly-anterior pituitary anomalies-facial dysmorphism syndrome; Holoprosencephaly 9. Last evaluated: 2022-12-13. Review status: criteria provided, single submitter. Criteria: Invitae Variant Classification Sherloc (09022015). Collection method: clinical testing. Allele origin: germline.
Comment: This variant is not present in population databases (gnomAD no frequency). This sequence change replaces alanine, which is neutral and non-polar, with valine, which is neutral and non-polar, at codon 918 of the GLI2 protein (p.Ala918Val). This variant has not been reported in the literature in individuals affected with GLI2-related conditions. In summary, the available evidence is currently insufficient to determine the role of this variant in disease. Therefore, it has been classified as a Variant of Uncertain Significance. Advanced modeling of protein sequence and biophysical properties (such as structural, functional, and spatial information, amino acid conservation, physicochemical variation, residue mobility, and thermodynamic stability) has been performed at Invitae for this missense variant, however the output from this modeling did not meet the statistical confidence thresholds required to predict the impact of this variant on GLI2 protein function.

Ambry Genetics
Classification: Uncertain significance for Inborn genetic diseases. Last evaluated: 2022-06-24. Review status: criteria provided, single submitter. Criteria: Ambry Variant Classification Scheme 2023. Collection method: clinical testing. Allele origin: germline.